The following is an entry in ClinVar:

ClinVar aggregate classification (germline): Uncertain significance. Review status: criteria provided, multiple submitters, no conflicts (2 of 4 stars). 2 submissions from 2 submitters: Uncertain significance (2). Last evaluated 2025-03-11.

Conditions:
Cardiovascular phenotype. Identifiers: MedGen CN230736.
Dilated cardiomyopathy 1O (CMD1O). Also called: CARDIOMYOPATHY, DILATED, WITH VENTRICULAR TACHYCARDIA. Identifiers: Orphanet 154, MedGen C1837839, MONDO:0012062, OMIM 608569.

Allele frequency attached by ClinVar (database versions not stated): TOPMed below 0.00001; gnomAD 0.00001; gnomAD exomes 0.00001.
gnomAD v4.1: 14 of 1,612,188 alleles (0.00087%); highest among the groups gnomAD compares: East Asian, 0.031%; no homozygotes.

Submissions (2):

Labcorp Genetics (formerly Invitae), Labcorp
Classification: Uncertain significance for Dilated cardiomyopathy 1O. Last evaluated: 2025-03-11. Review status: criteria provided, single submitter. Criteria: Invitae Variant Classification Sherloc (09022015). Collection method: clinical testing. Allele origin: germline.
Comment: This sequence change replaces isoleucine, which is neutral and non-polar, with valine, which is neutral and non-polar, at codon 844 of the ABCC9 protein (p.Ile844Val). This variant is present in population databases (no rsID available, gnomAD 0.01%). This variant has not been reported in the literature in individuals affected with ABCC9-related conditions. ClinVar contains an entry for this variant (Variation ID: 2070543). Invitae Evidence Modeling of protein sequence and biophysical properties (such as structural, functional, and spatial information, amino acid conservation, physicochemical variation, residue mobility, and thermodynamic stability) indicates that this missense variant is not expected to disrupt ABCC9 protein function with a negative predictive value of 80%. In summary, the available evidence is currently insufficient to determine the role of this variant in disease. Therefore, it has been classified as a Variant of Uncertain Significance.

Ambry Genetics
Classification: Uncertain significance for Cardiovascular phenotype. Last evaluated: 2023-08-01. Review status: criteria provided, single submitter. Criteria: Ambry Variant Classification Scheme 2023. Collection method: clinical testing. Allele origin: germline.
Comment: The p.I844V variant (also known as c.2530A>G), located in coding exon 21 of the ABCC9 gene, results from an A to G substitution at nucleotide position 2530. The isoleucine at codon 844 is replaced by valine, an amino acid with highly similar properties. This amino acid position is highly conserved in available vertebrate species. In addition, this alteration is predicted to be tolerated by in silico analysis. Since supporting evidence is limited at this time, the clinical significance of this alteration remains unclear.

NM_020297.4(ABCC9):c.2530A>G (p.Ile844Val)

Gene: ABCC9 (ATP binding cassette subfamily C member 9; minus strand). Cytogenetic location: 12p12.1.
Variant type: single nucleotide variant.
Coding change: c.2530A>G on transcript NM_020297.4 (MANE Select); coding-DNA position 2530, A replaced by G.
Protein change: p.Ile844Val; replaces isoleucine 844 with valine.
Molecular consequence: missense variant.
Genome position (GRCh38, 1-based): chr12:21,852,481, T>C on the plus strand (A>G on the coding strand, the complement: ABCC9 is on the minus strand). VCF-style: chr12-21852481-T-C. GRCh37 (hg19) VCF-style: chr12-22005415-T-C.
Other names: c.2530A>G, p.Ile844Val (NM_001377273.1, NM_005691.4); c.1663A>G, p.Ile555Val (NM_001377274.1); short protein forms I555V, I844V.
Identifiers: ClinVar variation 2070543 (VCV002070543.6), dbSNP rs1193373950, ClinGen allele CA384125773.